The following is an entry in ClinVar:

ClinVar aggregate classification (germline): Uncertain significance. Review status: criteria provided, multiple submitters, no conflicts (2 of 4 stars). 2 submissions from 2 submitters: Uncertain significance (2). Last evaluated 2025-12-09.

Conditions:
Hereditary cancer-predisposing syndrome. Also called: Hereditary neoplastic syndrome; Neoplastic Syndromes, Hereditary; Tumor predisposition; Hereditary Cancer Syndrome. Identifiers: Orphanet 140162, MedGen C0027672, MeSH D009386, MONDO:0015356.
EGFR-related lung cancer (EGFR). Identifiers: MedGen CN130014.

gnomAD v4.1: 5 of 1,614,194 alleles (0.00031%); highest among the groups gnomAD compares: Admixed American, 0.0083%; no homozygotes.

Submissions (2):

Labcorp Genetics (formerly Invitae), Labcorp
Classification: Uncertain significance for EGFR-related lung cancer. Last evaluated: 2025-12-09. Review status: criteria provided, single submitter. Criteria: Invitae Variant Classification Sherloc (09022015). Collection method: clinical testing. Allele origin: germline.
Comment: This sequence change replaces alanine, which is neutral and non-polar, with valine, which is neutral and non-polar, at codon 1192 of the EGFR protein (p.Ala1192Val). This variant is present in population databases (no rsID available, gnomAD 0.01%). This variant has not been reported in the literature in individuals affected with EGFR-related conditions. ClinVar contains an entry for this variant (Variation ID: 941635). An algorithm developed to predict the effect of missense changes on protein structure and function (PolyPhen-2) suggests that this variant is likely to be disruptive. In summary, the available evidence is currently insufficient to determine the role of this variant in disease. Therefore, it has been classified as a Variant of Uncertain Significance.

Ambry Genetics
Classification: Uncertain significance for Hereditary cancer-predisposing syndrome. Last evaluated: 2024-12-20. Review status: criteria provided, single submitter. Criteria: Ambry Variant Classification Scheme 2023. Collection method: clinical testing. Allele origin: germline.
Comment: The p.A1192V variant (also known as c.3575C>T), located in coding exon 28 of the EGFR gene, results from a C to T substitution at nucleotide position 3575. The alanine at codon 1192 is replaced by valine, an amino acid with similar properties. This amino acid position is highly conserved in available vertebrate species. In addition, the in silico prediction for this alteration is inconclusive. Based on the available evidence, the clinical significance of this variant remains unclear.

NM_005228.5(EGFR):c.3575C>T (p.Ala1192Val)

Gene: EGFR (epidermal growth factor receptor; plus strand). Cytogenetic location: 7p11.2.
Variant type: single nucleotide variant.
Coding change: c.3575C>T on transcript NM_005228.5 (MANE Select); coding-DNA position 3575, C replaced by T.
Protein change: p.Ala1192Val; replaces alanine 1192 with valine.
Molecular consequence: missense variant.
Genome position (GRCh38, 1-based): chr7:55,205,559, C>T. VCF-style: chr7-55205559-C-T. GRCh37 (hg19) VCF-style: chr7-55273252-C-T.
Other names: c.3440C>T, p.Ala1147Val (NM_001346899.2); c.3416C>T, p.Ala1139Val (NM_001346900.2); c.2774C>T, p.Ala925Val (NM_001346941.2); short protein forms A925V, A1139V, A1192V, A1147V.
Identifiers: ClinVar variation 941635 (VCV000941635.7), dbSNP rs1480173156, ClinGen allele CA367584927.